The following is an entry in ClinVar:

ClinVar aggregate classification (germline): Uncertain significance (1 of 4 stars; one submission).

Conditions:
Inborn genetic diseases. Identifiers: MedGen C0950123, MeSH D030342.

Submission:

Ambry Genetics
Classification: Uncertain significance for Inborn genetic diseases. Last evaluated: 2025-06-06. Review status: criteria provided, single submitter. Criteria: Ambry Variant Classification Scheme 2023. Collection method: clinical testing. Allele origin: germline.
Comment: The p.E865K variant (also known as c.2593G>A), located in coding exon 15 of the RECQL4 gene, results from a G to A substitution at nucleotide position 2593. The glutamic acid at codon 865 is replaced by lysine, an amino acid with similar properties. This amino acid position is conserved. Based on the available evidence, the clinical significance of this variant remains unclear.

NM_004260.4(RECQL4):c.2593G>A (p.Glu865Lys)

Gene: RECQL4 (RecQ like helicase 4; minus strand). Cytogenetic location: 8q24.3.
Variant type: single nucleotide variant.
Coding change: c.2593G>A on transcript NM_004260.4 (MANE Select); coding-DNA position 2593, G replaced by A.
Protein change: p.Glu865Lys; replaces glutamic acid 865 with lysine.
Molecular consequence: missense variant. On other transcripts: non-coding transcript variant (3).
Genome position (GRCh38, 1-based): chr8:144,513,009, C>T on the plus strand (G>A on the coding strand, the complement: RECQL4 is on the minus strand). VCF-style: chr8-144513009-C-T. GRCh37 (hg19) VCF-style: chr8-145738392-C-T.
Other names: c.2299G>A, p.Glu767Lys (NM_001413017.1); c.2395G>A, p.Glu799Lys (NM_001413018.1); c.2593G>A, p.Glu865Lys (NM_001413019.1, NM_001413036.1); c.2497G>A, p.Glu833Lys (NM_001413020.1); c.1522G>A, p.Glu508Lys (NM_001413021.1, NM_001413022.1, NM_001413023.1 and 5 more transcripts); c.2464G>A, p.Glu822Lys (NM_001413025.1); c.1456G>A, p.Glu486Lys (NM_001413027.1, NM_001413030.1, NM_001413032.1 and 1 more transcripts); c.2242G>A, p.Glu748Lys (NM_001413029.1); and 6 more; short protein forms E508K, E767K, E799K, E822K, E833K, E865K, E442K, E498K.
Identifiers: ClinVar variation 3944353 (VCV003944353.1).